The following is an entry in ClinVar:

ClinVar aggregate classification (germline): Uncertain significance (1 of 4 stars; one submission).

Submission:

Labcorp Genetics (formerly Invitae), Labcorp
Classification: Uncertain significance. Last evaluated: 2022-11-01. Review status: criteria provided, single submitter. Criteria: Invitae Variant Classification Sherloc (09022015). Collection method: clinical testing. Allele origin: germline.
Comment: In summary, the available evidence is currently insufficient to determine the role of this variant in disease. Therefore, it has been classified as a Variant of Uncertain Significance. Algorithms developed to predict the effect of missense changes on protein structure and function are either unavailable or do not agree on the potential impact of this missense change (SIFT: "Not Available"; PolyPhen-2: "Benign"; Align-GVGD: "Not Available"). This variant has not been reported in the literature in individuals affected with GZF1-related conditions. This variant is not present in population databases (gnomAD no frequency). This sequence change replaces glutamine, which is neutral and polar, with histidine, which is basic and polar, at codon 40 of the GZF1 protein (p.Gln40His).

NM_022482.5(GZF1):c.120G>C (p.Gln40His)

Gene: GZF1 (GDNF inducible zinc finger protein 1; plus strand). Cytogenetic location: 20p11.21.
Variant type: single nucleotide variant.
Coding change: c.120G>C on transcript NM_022482.5 (MANE Select); coding-DNA position 120, G replaced by C.
Protein change: p.Gln40His; replaces glutamine 40 with histidine.
Molecular consequence: missense variant.
Genome position (GRCh38, 1-based): chr20:23,364,503, G>C. VCF-style: chr20-23364503-G-C. GRCh37 (hg19) VCF-style: chr20-23345140-G-C.
Other names: c.120G>C, p.Gln40His (NM_001317012.2, NM_001317019.1); short protein forms Q40H.
Identifiers: ClinVar variation 1967015 (VCV001967015.5), dbSNP rs1981062797, ClinGen allele CA408408846.